The following is an entry in ClinVar:

NM_013436.5(NCKAP1):c.1005-4A>G

Gene: NCKAP1 (NCK associated protein 1; minus strand). Cytogenetic location: 2q32.1.
Variant type: single nucleotide variant.
Coding change: c.1005-4A>G on transcript NM_013436.5 (MANE Select); 4 bases into the intron before coding-DNA position 1005, A replaced by G.
Molecular consequence: intron variant.
Genome position (GRCh38, 1-based): chr2:182,983,386, T>C on the plus strand (A>G on the coding strand, the complement: NCKAP1 is on the minus strand). VCF-style: chr2-182983386-T-C. GRCh37 (hg19) VCF-style: chr2-183848114-T-C.
Other names: c.1023-4A>G (NM_205842.3).
Identifiers: ClinVar variation 3060302 (VCV003060302.2), dbSNP rs1400130, ClinGen allele CA2014705.

ClinVar aggregate classification (germline): Benign (0 of 4 stars; one submission).

Conditions:
NCKAP1-related disorder. Also called: NCKAP1-related condition.

Allele frequency attached by ClinVar (database versions not stated): gnomAD exomes 0.21120; ExAC 0.22765; 1000 Genomes Project 0.29692; 1000 Genomes Project 30x 0.30934; gnomAD 0.32851; TOPMed 0.35192; ESP Exome Variant Server 0.36452.
gnomAD v4.1: 354,375 of 1,590,868 alleles (22%); highest among the groups gnomAD compares: African/African-American, 66%; 49,042 homozygotes.

Submission:

PreventionGenetics, part of Exact Sciences
Classification: Benign for NCKAP1-related condition. Last evaluated: 2019-10-10. Review status: no assertion criteria provided. Collection method: clinical testing. Allele origin: germline.
Comment: This variant is classified as benign based on ACMG/AMP sequence variant interpretation guidelines (Richards et al. 2015 PMID: 25741868, with internal and published modifications).